The following is an entry in ClinVar:

ClinVar aggregate classification (germline): Conflicting classifications of pathogenicity. Review status: criteria provided, conflicting classifications (1 of 4 stars). 5 submissions from 5 submitters: Pathogenic (1); Likely pathogenic (2); Uncertain significance (2). Last evaluated 2025-12-23.

Conditions:
Progressive sclerosing poliodystrophy (MTDPS4A). Also called: ALPERS PROGRESSIVE INFANTILE POLIODYSTROPHY; NEURONAL DEGENERATION OF CHILDHOOD WITH LIVER DISEASE, PROGRESSIVE; Alpers-Huttenlocher Syndrome (AHS); Alpers Syndrome; Mitochondrial DNA Depletion Syndrome 4A; ALPERS DIFFUSE DEGENERATION OF CEREBRAL GRAY MATTER WITH HEPATIC CIRRHOSIS. Identifiers: Orphanet 726, MedGen C0205710, MONDO:0008758, OMIM 203700.

Allele frequency attached by ClinVar (database versions not stated): TOPMed below 0.00001; ESP Exome Variant Server 0.00008.
gnomAD v4.1: 3 of 1,612,770 alleles (0.00019%); highest among the groups gnomAD compares: Non-Finnish European, 0.00025%; no homozygotes.

Submissions (5):

Labcorp Genetics (formerly Invitae), Labcorp
Classification: Pathogenic for Progressive sclerosing poliodystrophy. Last evaluated: 2025-12-23. Review status: criteria provided, single submitter. Criteria: Invitae Variant Classification Sherloc (09022015). Collection method: clinical testing. Allele origin: germline.
Comment: This sequence change replaces glycine, which is neutral and non-polar, with aspartic acid, which is acidic and polar, at codon 588 of the POLG protein (p.Gly588Asp). This variant is not present in population databases (gnomAD no frequency). This missense change has been observed in individual(s) with clinical features of autosomal recessive POLG-related conditions (PMID: 21880868; internal data). In at least one individual the data is consistent with being in trans (on the opposite chromosome) from a pathogenic variant. ClinVar contains an entry for this variant (Variation ID: 372694). Invitae Evidence Modeling of protein sequence and biophysical properties (such as structural, functional, and spatial information, amino acid conservation, physicochemical variation, residue mobility, and thermodynamic stability) indicates that this missense variant is expected to disrupt POLG protein function with a positive predictive value of 95%. For these reasons, this variant has been classified as Pathogenic.

Women's Health and Genetics/Laboratory Corporation of America, LabCorp
Classification: Uncertain significance. Last evaluated: 2025-07-22. Review status: criteria provided, single submitter. Criteria: LabCorp Variant Classification Summary - May 2015. Collection method: clinical testing. Allele origin: germline.
Comment: Variant summary: POLG c.1763G>A (p.Gly588Asp) results in a non-conservative amino acid change in the encoded protein sequence. Algorithms developed to predict the effect of missense changes on protein structure and function all suggest that this variant is likely to be disruptive. The variant was absent in 250018 control chromosomes. c.1763G>A has been reported in the literature as a compound heterozygous genotype individuals affected with POLG-Related Spectrum Disorders (e.g., Tang_2011, Internal data).These data indicate that the variant may be associated with disease. To our knowledge, no experimental evidence demonstrating an impact on protein function has been reported. The following publication have been ascertained in the context of this evaluation (PMID: 21880868). ClinVar contains an entry for this variant (Variation ID: 372694). Based on the evidence outlined above, the variant was classified as VUS-possibly pathogenic.

Wong Mito Lab, Molecular and Human Genetics, Baylor College of Medicine
Classification: Likely pathogenic for Progressive sclerosing poliodystrophy. Last evaluated: 2018-10-01. Review status: criteria provided, single submitter. Criteria: ACMG Guidelines, 2015. Collection method: clinical testing. Allele origin: germline.
Comment: The NM_002693.2:c.1763G>A (NP_002684.1:p.Gly588Asp) [GRCH38: NC_000015.10:g.89325636C>T] variant in POLG gene is interpretated to be a Likely Pathogenic based on ACMG guidelines (PMID: 25741868). This variant meets the following evidence codes reported in the ACMG-guideline. PM2:This variant is absent in key population databases. PM3:Detected in trans with a pathogenic variant for Mitochondrial DNA depletion syndrome 4A (Alpers type) which is a recessive disorder. PP1:This variant is co-segregated with Mitochondrial DNA depletion syndrome 4A (Alpers type) in multiple affected family members. PP2:This is a missense variant in POLG with a low rate of benign and high rate of pathogenic missense variations. PP3:Computational evidence/predictors indicate the variant has deleterious effect on POLG structure, function, or protein-protein interaction. PP4:Patient's phenotype or family history is highly specific for POLG. Based on the evidence criteria codes applied, the variant is suggested to be Likely Pathogenic.

Eurofins Ntd Llc (ga)
Classification: Uncertain significance. Last evaluated: 2017-01-10. Review status: criteria provided, single submitter. Criteria: EGL Classification Definitions 2015. Collection method: clinical testing. Allele origin: germline. Observed: 1 variant allele, 1 heterozygote.

GeneDx
Classification: Likely pathogenic. Last evaluated: 2015-12-29. Review status: criteria provided, single submitter. Criteria: GeneDx Variant Classification (06012015). Collection method: clinical testing. Allele origin: germline. Affected: yes.
Comment: The G588D variant in the POLG gene has been reported as a likely pathogenic variant in three unrelated individuals with clinical presentations suggestive of POLG deficiency who were each identified to harbor at least one known pathogenic POLG variant on the opposite allele (Tang et al., 2011). The G588D variant was not observed with any significant frequency in approximately 6,500 individuals of European and African American ancestry in the NHLBI Exome Sequencing Project, indicating it is not a common benign variant in these populations. The G588D variant is a non-conservative amino acid substitution, which is likely to impact secondary protein structure as these residues differ in polarity, charge, size and/or other properties. This substitution occurs at a position that is conserved across species. In silico analysis is inconsistent in its predictions as to whether or not the variant is damaging to the protein structure/function. Missense variants in nearby residues (P587L, P589L, L592F) have been reported in the Human Gene Mutation Database in association with POLG-related disorders (Stenson et al., 2014), supporting the functional importance of this region of the protein. The G588D variant is a strong candidate for a pathogenic variant.

Literature cited by the submitters: PubMed 21880868 (cited by Labcorp Genetics (formerly Invitae), Labcorp and Women's Health and Genetics/Laboratory Corporation of America, LabCorp).

NM_002693.3(POLG):c.1763G>A (p.Gly588Asp)

Gene: POLG (DNA polymerase gamma, catalytic subunit; minus strand). Cytogenetic location: 15q26.1.
Variant type: single nucleotide variant.
Coding change: c.1763G>A on transcript NM_002693.3 (MANE Select); coding-DNA position 1763, G replaced by A.
Protein change: p.Gly588Asp; replaces glycine 588 with aspartic acid.
Molecular consequence: missense variant.
Genome position (GRCh38, 1-based): chr15:89,325,636, C>T on the plus strand (G>A on the coding strand, the complement: POLG is on the minus strand). VCF-style: chr15-89325636-C-T. GRCh37 (hg19) VCF-style: chr15-89868867-C-T.
Other names: c.1763G>A, p.Gly588Asp (NM_001126131.2); short protein forms G588D.
Identifiers: ClinVar variation 372694 (VCV000372694.17), dbSNP rs371334941, ClinGen allele CA10602201.